The following is an entry in ClinVar:

ClinVar aggregate classification (germline): Uncertain significance (1 of 4 stars; one submission).

Conditions:
Severe combined immunodeficiency due to DNA-PKcs deficiency. Also called: IMMUNODEFICIENCY 26 WITH NEUROLOGIC ABNORMALITIES; Immunodeficiency 26 with or without neurologic abnormalities. Identifiers: Orphanet 317425, MedGen C4014833, MONDO:0014423, OMIM 615966.

gnomAD v4.1: 3 of 1,613,960 alleles (0.00019%); highest among the groups gnomAD compares: Non-Finnish European, 0.00017%; no homozygotes.

Submission:

Labcorp Genetics (formerly Invitae), Labcorp
Classification: Uncertain significance for Severe combined immunodeficiency due to DNA-PKcs deficiency. Last evaluated: 2022-03-20. Review status: criteria provided, single submitter. Criteria: Invitae Variant Classification Sherloc (09022015). Collection method: clinical testing. Allele origin: germline.
Comment: In summary, the available evidence is currently insufficient to determine the role of this variant in disease. Therefore, it has been classified as a Variant of Uncertain Significance. Experimental studies and prediction algorithms are not available or were not evaluated, and the functional significance of this variant is currently unknown. This variant has not been reported in the literature in individuals affected with PRKDC-related conditions. This variant is present in population databases (rs755397534, gnomAD 0.0009%). This sequence change replaces cysteine, which is neutral and slightly polar, with arginine, which is basic and polar, at codon 2342 of the PRKDC protein (p.Cys2342Arg).

NM_006904.7(PRKDC):c.7024T>C (p.Cys2342Arg)

Gene: PRKDC (protein kinase, DNA-activated, catalytic subunit; minus strand). Cytogenetic location: 8q11.21.
Variant type: single nucleotide variant.
Coding change: c.7024T>C on transcript NM_006904.7 (MANE Select); coding-DNA position 7024, T replaced by C.
Protein change: p.Cys2342Arg; replaces cysteine 2342 with arginine.
Molecular consequence: missense variant.
Genome position (GRCh38, 1-based): chr8:47,849,485, A>G on the plus strand (T>C on the coding strand, the complement: PRKDC is on the minus strand). VCF-style: chr8-47849485-A-G. GRCh37 (hg19) VCF-style: chr8-48762046-A-G.
Other names: c.7024T>C, p.Cys2342Arg (NM_001081640.2); short protein forms C2342R.
Identifiers: ClinVar variation 1969536 (VCV001969536.5), dbSNP rs755397534, ClinGen allele CA4740192.